The following is an entry in ClinVar:

ClinVar aggregate classification (germline): Uncertain significance. Review status: criteria provided, multiple submitters, no conflicts (2 of 4 stars). 6 submissions from 6 submitters: Uncertain significance (6). Last evaluated 2026-04-23.

Conditions:
Epidermolysis bullosa simplex, Ogna type (EBS5A). Also called: Pidermolysis bullosa simplex 5A, Ogna type; EPIDERMOLYSIS BULLOSA SIMPLEX 5A, OGNA TYPE. Identifiers: Orphanet 79401, MedGen C0432317, MONDO:0007555, OMIM 131950.
Autosomal recessive limb-girdle muscular dystrophy type 2Q (LGMDR17). Also called: MUSCULAR DYSTROPHY, LIMB-GIRDLE, AUTOSOMAL RECESSIVE 17. Identifiers: Orphanet 254361, MedGen C3150989, MONDO:0013390, OMIM 613723.
Epidermolysis bullosa simplex 5B, with muscular dystrophy (EBS5B). Also called: Epidermolysis bullosa simplex with muscular dystrophy; EPIDERMOLYSIS BULLOSA SIMPLEX AND LIMB-GIRDLE MUSCULAR DYSTROPHY. Identifiers: Orphanet 257, MedGen C2931072, MONDO:0009181, OMIM 226670.
Epidermolysis bullosa simplex with nail dystrophy (EBS5D). Identifiers: MedGen C4225309, MONDO:0014661, OMIM 616487.
Epidermolysis bullosa simplex 5C, with pyloric atresia (EBS5C). Also called: PLEC-Related Epidermolysis Bullosa with Pyloric Atresia; Epidermolysis bullosa simplex with pyloric atresia; PLEC1-Related Epidermolysis Bullosa with Pyloric Atresia. Identifiers: Orphanet 158684, MedGen C2677349, MONDO:0012807, OMIM 612138.
PLEC-related disorder. Also called: PLEC-related condition; PLEC-related disorders.
Inborn genetic diseases. Identifiers: MedGen C0950123, MeSH D030342.

Allele frequency attached by ClinVar (database versions not stated): gnomAD exomes 0.00006 and 0.00016; gnomAD 0.00010 and 0.00011; TOPMed 0.00010; ExAC 0.00002.
gnomAD v4.1: 245 of 1,612,858 alleles (0.015%); highest among the groups gnomAD compares: Non-Finnish European, 0.019%; no homozygotes.

Submissions (6):

PreventionGenetics, part of Exact Sciences
Classification: Uncertain significance for PLEC-related condition. Last evaluated: 2026-04-23. Review status: criteria provided, single submitter. Criteria: ACMG Guidelines, 2015. Collection method: clinical testing. Allele origin: germline.
Comment: The PLEC c.10403C>T variant is predicted to result in the amino acid substitution p.Ser3468Leu. To our knowledge, this variant has not been reported in the literature. This variant is reported in 0.012% of alleles in individuals of European (Non-Finnish) descent in gnomAD. At this time, the clinical significance of this variant is uncertain due to the absence of conclusive functional and genetic evidence.

Labcorp Genetics (formerly Invitae), Labcorp
Classification: Uncertain significance for Autosomal recessive limb-girdle muscular dystrophy type 2Q; Epidermolysis bullosa simplex, Ogna type; Epidermolysis bullosa simplex with nail dystrophy; Epidermolysis bullosa simplex 5C, with pyloric atresia; Epidermolysis bullosa simplex 5B, with muscular dystrophy. Last evaluated: 2025-10-03. Review status: criteria provided, single submitter. Criteria: Invitae Variant Classification Sherloc (09022015). Collection method: clinical testing. Allele origin: germline.
Comment: This sequence change replaces serine, which is neutral and polar, with leucine, which is neutral and non-polar, at codon 3468 of the PLEC protein (p.Ser3468Leu). This variant is present in population databases (rs782569204, gnomAD 0.01%). This variant has not been reported in the literature in individuals affected with PLEC-related conditions. ClinVar contains an entry for this variant (Variation ID: 471514). Invitae Evidence Modeling of protein sequence and biophysical properties (such as structural, functional, and spatial information, amino acid conservation, physicochemical variation, residue mobility, and thermodynamic stability) has been performed for this missense variant. However, the output from this modeling did not meet the statistical confidence thresholds required to predict the impact of this variant on PLEC protein function. In summary, the available evidence is currently insufficient to determine the role of this variant in disease. Therefore, it has been classified as a Variant of Uncertain Significance.

GeneDx
Classification: Uncertain significance. Last evaluated: 2024-05-15. Review status: criteria provided, single submitter. Criteria: GeneDx Variant Classification Process June 2021. Collection method: clinical testing. Allele origin: germline. Affected: yes.
Comment: Not observed at significant frequency in large population cohorts (gnomAD); In silico analysis supports that this missense variant has a deleterious effect on protein structure/function; Missense variant in a gene in which most reported pathogenic variants are truncating/loss of function; Has not been previously published as pathogenic or benign to our knowledge; This variant is associated with the following publications: (PMID: 30161220)

Revvity Omics, Revvity
Classification: Uncertain significance. Last evaluated: 2023-06-05. Review status: criteria provided, single submitter. Criteria: ACMG Guidelines, 2015. Collection method: clinical testing. Allele origin: germline.

Ambry Genetics
Classification: Uncertain significance for Inborn genetic diseases. Last evaluated: 2021-08-09. Review status: criteria provided, single submitter. Criteria: Ambry Variant Classification Scheme 2023. Collection method: clinical testing. Allele origin: germline.

CeGaT Center for Human Genetics Tuebingen
Classification: Uncertain significance. Last evaluated: 2021-07-01. Review status: criteria provided, single submitter. Criteria: CeGaT Center For Human Genetics Tuebingen Variant Classification Criteria Version 2. Collection method: clinical testing. Allele origin: germline. Affected: yes. Observed: 1 variant allele.

NM_201384.3(PLEC):c.10322C>T (p.Ser3441Leu)

Gene: PLEC (plectin; minus strand). Cytogenetic location: 8q24.3.
Variant type: single nucleotide variant.
Coding change: c.10322C>T on transcript NM_201384.3 (MANE Select); coding-DNA position 10322, C replaced by T.
Protein change: p.Ser3441Leu; replaces serine 3441 with leucine.
Molecular consequence: missense variant.
Genome position (GRCh38, 1-based): chr8:143,919,499, G>A on the plus strand (C>T on the coding strand, the complement: PLEC is on the minus strand). VCF-style: chr8-143919499-G-A. GRCh37 (hg19) VCF-style: chr8-144993667-G-A.
Other names: c.10334C>T, p.Ser3445Leu (NM_201383.3); c.10403C>T (NM_000445.3); c.10403C>T, p.Ser3468Leu (NM_000445.5); c.10280C>T, p.Ser3427Leu (NM_201378.4); c.10256C>T, p.Ser3419Leu (NM_201379.3); c.10733C>T, p.Ser3578Leu (NM_201380.4); c.10226C>T, p.Ser3409Leu (NM_201381.3); c.10322C>T, p.Ser3441Leu (NM_201382.4); short protein forms S3419L, S3427L, S3409L, S3445L, S3578L, S3441L, S3468L.
Identifiers: ClinVar variation 471514 (VCV000471514.49), dbSNP rs782569204, ClinGen allele CA4924686.